The following is an entry in ClinVar:

ClinVar aggregate classification (germline): Uncertain significance. Review status: criteria provided, multiple submitters, no conflicts (2 of 4 stars). 2 submissions from 2 submitters: Uncertain significance (2). Last evaluated 2025-09-10.

Allele frequency attached by ClinVar (database versions not stated): TOPMed 0.00001.

Submissions (2):

Labcorp Genetics (formerly Invitae), Labcorp
Classification: Uncertain significance. Last evaluated: 2025-09-10. Review status: criteria provided, single submitter. Criteria: Invitae Variant Classification Sherloc (09022015). Collection method: clinical testing. Allele origin: germline.
Comment: This sequence change replaces serine, which is neutral and polar, with asparagine, which is neutral and polar, at codon 618 of the DDX3X protein (p.Ser618Asn). This variant is not present in population databases (gnomAD no frequency). This variant has not been reported in the literature in individuals affected with DDX3X-related conditions. ClinVar contains an entry for this variant (Variation ID: 1308812). Experimental studies and prediction algorithms are not available or were not evaluated, and the functional significance of this variant is currently unknown. In summary, the available evidence is currently insufficient to determine the role of this variant in disease. Therefore, it has been classified as a Variant of Uncertain Significance.

GeneDx
Classification: Uncertain significance. Last evaluated: 2022-06-28. Review status: criteria provided, single submitter. Criteria: GeneDx Variant Classification Process June 2021. Collection method: clinical testing. Allele origin: germline. Affected: yes.
Comment: Not observed in large population cohorts (gnomAD); In silico analysis, which includes protein predictors and evolutionary conservation, supports that this variant does not alter protein structure/function; Has not been previously published as pathogenic or benign to our knowledge

NM_001356.5(DDX3X):c.1856G>A (p.Ser619Asn)

Gene: DDX3X (DEAD-box helicase 3 X-linked; plus strand). Cytogenetic location: Xp11.4.
Variant type: single nucleotide variant.
Coding change: c.1856G>A on transcript NM_001356.5 (MANE Select); coding-DNA position 1856, G replaced by A.
Protein change: p.Ser619Asn; replaces serine 619 with asparagine.
Molecular consequence: missense variant. On other transcripts: non-coding transcript variant (1).
Genome position (GRCh38, 1-based): chrX:41,347,398, G>A. VCF-style: chrX-41347398-G-A. GRCh37 (hg19) VCF-style: chrX-41206651-G-A.
Other names: c.1853G>A, p.Ser618Asn (NM_001193416.3); c.1808G>A, p.Ser603Asn (NM_001193417.3); c.1295G>A, p.Ser432Asn (NM_001363819.1); short protein forms S432N, S603N, S618N, S619N.
Identifiers: ClinVar variation 1308812 (VCV001308812.7), dbSNP rs2063940911, ClinGen allele CA412779289.
Genomic context (GRCh38, chrX:41,347,398, plus strand): 5'-CCAGAGACTACCGACAAAGTAGCGGTGCCAGCAGTTCCAGCTTCAGCAGCAGCCGCGCAA[G>A]CAGCAGCCGCAGTGGCGGAGGTGGCCACGGTAGCAGCAGAGGATTTGGTGGAGGTAGTGT-3'
Protein context (NP_001347.3, residues 609-629): SSSSFSSSRA[Ser619Asn]SSRSGGGGHG